The following is an entry in ClinVar:

ClinVar aggregate classification (germline): Uncertain significance (1 of 4 stars; one submission).

Submission:

GeneDx
Classification: Uncertain significance. Last evaluated: 2023-01-12. Review status: criteria provided, single submitter. Criteria: GeneDx Variant Classification Process June 2021. Collection method: clinical testing. Allele origin: germline. Affected: yes.
Comment: Not observed at significant frequency in large population cohorts (gnomAD); In silico analysis supports that this missense variant has a deleterious effect on protein structure/function; Has not been previously published as pathogenic or benign to our knowledge

NM_016343.4(CENPF):c.44G>C (p.Arg15Thr)

Gene: CENPF (centromere protein F; plus strand). Cytogenetic location: 1q41.
Variant type: single nucleotide variant.
Coding change: c.44G>C on transcript NM_016343.4 (MANE Select); coding-DNA position 44, G replaced by C.
Protein change: p.Arg15Thr; replaces arginine 15 with threonine.
Molecular consequence: missense variant.
Genome position (GRCh38, 1-based): chr1:214,613,798, G>C. VCF-style: chr1-214613798-G-C. GRCh37 (hg19) VCF-style: chr1-214787141-G-C.
Other names: short protein forms R15T.
Identifiers: ClinVar variation 2572819 (VCV002572819.1), dbSNP rs1251142718, ClinGen allele CA344823892.
Genomic context (GRCh38, chr1:214,613,798, plus strand): 5'-AAAGAAGGCAGAACAAAATGAGCTGGGCTTTGGAAGAATGGAAAGAAGGGCTGCCTACAA[G>C]AGCTCTTCAGAAAATTCAAGAGCTTGAAGGACAGCTTGACAAACTGAAGAAGGAAAAGCA-3'
Protein context (NP_057427.3, residues 5-25): LEEWKEGLPT[Arg15Thr]ALQKIQELEG